The following is an entry in ClinVar:

NM_001330260.2(SCN8A):c.2363_2370+1del

Gene: SCN8A (sodium voltage-gated channel alpha subunit 8; plus strand). Cytogenetic location: 12q13.13.
Variant type: Deletion.
Coding change: c.2363_2370+1del on transcript NM_001330260.2 (MANE Select); coding-DNA position 2363 through the canonical splice donor site of the intron after coding-DNA position 2370, 9 bases deleted (GAAATCTGG; older notation c.2363_2370+1delGAAATCTGG).
Molecular consequence: splice donor variant.
Genome position (GRCh38, 1-based): chr12:51,751,586-51,751,594, GAAATCTGG deleted; deleting any 9 consecutive bases within chr12:51,751,585-51,751,594 gives the same sequence; the c. name uses the placement nearest the transcript's 3' end. VCF-style (leftmost placement, unchanged base first): chr12-51751584-AGGAAATCTG-A. GRCh37 (hg19) VCF-style: chr12-52145368-AGGAAATCTG-A.
Other names: c.2363_2370+1del (NM_014191.4, NM_001177984.3, NM_001369788.1).
Identifiers: ClinVar variation 4056319 (VCV004056319.1).

ClinVar aggregate classification (germline): Pathogenic (1 of 4 stars; one submission).

Conditions:
Developmental and epileptic encephalopathy, 13 (DEE13). Also called: Developmental and Epileptic Encephalopathy (SCN8A-DEE); Early infantile epileptic encephalopathy 13; SCN8A-Related Epilepsy. Identifiers: Orphanet 442835, MedGen C3281191, MONDO:0013801, OMIM 614558.

Submission:

Institute of Human Genetics, University of Leipzig Medical Center
Classification: Pathogenic for Developmental and epileptic encephalopathy, 13. Last evaluated: 2025-06-25. Review status: criteria provided, single submitter. Criteria: ACMG Guidelines, 2015. Collection method: clinical testing. Allele origin: unknown. Inheritance: Autosomal dominant inheritance. Affected: yes.
Comment: Criteria applied: PVS1,PS1,PM2_SUP